The following is an entry in ClinVar:

NM_000051.4(ATM):c.4082A>G (p.Gln1361Arg)

Gene: ATM (ATM serine/threonine kinase; plus strand). Cytogenetic location: 11q22.3.
Variant type: single nucleotide variant.
Coding change: c.4082A>G on transcript NM_000051.4 (MANE Select); coding-DNA position 4082, A replaced by G.
Protein change: p.Gln1361Arg; replaces glutamine 1361 with arginine.
Molecular consequence: missense variant.
Genome position (GRCh38, 1-based): chr11:108,287,688, A>G. VCF-style: chr11-108287688-A-G. GRCh37 (hg19) VCF-style: chr11-108158415-A-G.
Other names: c.4082A>G, p.Gln1361Arg (NM_001351834.2); c.4082A>G (NM_000051.2); short protein forms Q1361R.
Identifiers: ClinVar variation 185234 (VCV000185234.44), dbSNP rs141921797, ClinGen allele CA191395.
Genomic context (GRCh38, chr11:108,287,688, plus strand): 5'-CAGAGATTGTGGTGGAGTTATTGATGACGTTACATGAGCCAGCAAATTCTAGTGCCAGTC[A>G]GAGCACTGACCTCTGTGACTTTTCAGGGTATGTACATTTTAAACTTAGAGAACTAGCTCT-3'
Protein context (NP_000042.3, residues 1351-1371): LHEPANSSAS[Gln1361Arg]STDLCDFSGD

ClinVar aggregate classification (germline): Conflicting classifications of pathogenicity. Review status: criteria provided, conflicting classifications (1 of 4 stars). 15 submissions from 15 submitters: Uncertain significance (11); Likely benign (3). 1 of the submissions does not count toward it. Last evaluated 2026-04-08.

Conditions:
ATM-related disorder. Also called: ATM-related disorders; ATM-related condition.
Familial colorectal cancer type X. Identifiers: Orphanet 440437, MedGen C3896578, MONDO:0018604.
Hereditary cancer-predisposing syndrome. Also called: Neoplastic Syndromes, Hereditary; Tumor predisposition; Hereditary neoplastic syndrome; Hereditary Cancer Syndrome. Identifiers: Orphanet 140162, MedGen C0027672, MeSH D009386, MONDO:0015356.
Familial cancer of breast. Also called: Hereditary breast cancer; BREAST CANCER, FAMILIAL; hereditary breast carcinoma. Identifiers: Orphanet 227535, MedGen C0346153, MONDO:0016419, OMIM 114480. Disease mechanism: loss of function.
Ataxia-telangiectasia syndrome (AT). Also called: Cerebello-oculocutaneous telangiectasia; Immunodeficiency with ataxia telangiectasia; AT, COMPLEMENTATION GROUP C; LOUIS-BAR SYNDROME; Ataxia-telangiectasia, complementation group E; ATAXIA-TELANGIECTASIA, COMPLEMENTATION GROUP A. Identifiers: Orphanet 100, MedGen C0004135, MONDO:0008840, OMIM 208900.

Allele frequency attached by ClinVar (database versions not stated): gnomAD exomes 0.00003 and 0.00005; ExAC 0.00007; ESP Exome Variant Server 0.00008; 1000 Genomes Project 30x 0.00016; 1000 Genomes Project 0.00020; TOPMed 0.00025; gnomAD 0.00027 and 0.00029.
gnomAD v4.1: 89 of 1,613,460 alleles (0.0055%); highest among the groups gnomAD compares: African/African-American, 0.11%; no homozygotes.

Submissions (15):

PreventionGenetics, part of Exact Sciences
Classification: Uncertain significance for ATM-related condition. Last evaluated: 2026-04-08. Review status: criteria provided, single submitter. Criteria: ACMG Guidelines, 2015. Collection method: clinical testing. Allele origin: germline.
Comment: The ATM c.4082A>G variant is predicted to result in the amino acid substitution p.Gln1361Arg. This variant has been reported in several individuals with breast cancer (Table 5, Adedokun et al. 2020. PubMed ID: 31871109; Supp. Table 3, Guindalini et al. 2022. PubMed ID: 35264596; Table 3, Weitzel et al. 2019. PubMed ID: 31206626), in an individual with sporadic melanoma (Table S2, Dalmasso et al. 2021. PubMed ID: 34262154), and in an individual with Cowden syndrome (Table S9, Yehia et al. 2018. PubMed ID: 29684080). This variant is reported in 0.060% of alleles in individuals of African descent in gnomAD and has conflicting interpretations in ClinVar ranging from uncertain to likely benign (Variation ID: 185234). At this time, the clinical significance of this variant is uncertain due to the absence of conclusive functional and genetic evidence.

Labcorp Genetics (formerly Invitae), Labcorp
Classification: Uncertain significance for Ataxia-telangiectasia syndrome. Last evaluated: 2026-02-03. Review status: criteria provided, single submitter. Criteria: Invitae Variant Classification Sherloc (09022015). Collection method: clinical testing. Allele origin: germline.
Comment: This sequence change replaces glutamine, which is neutral and polar, with arginine, which is basic and polar, at codon 1361 of the ATM protein (p.Gln1361Arg). This variant is present in population databases (rs141921797, gnomAD 0.06%). This missense change has been observed in individual(s) with breast cancer, colon cancer, and/or melanoma (PMID: 29684080, 31206626, 34262154, 36898365). ClinVar contains an entry for this variant (Variation ID: 185234). Invitae Evidence Modeling of protein sequence and biophysical properties (such as structural, functional, and spatial information, amino acid conservation, physicochemical variation, residue mobility, and thermodynamic stability) indicates that this missense variant is not expected to disrupt ATM protein function with a negative predictive value of 95%. In summary, the available evidence is currently insufficient to determine the role of this variant in disease. Therefore, it has been classified as a Variant of Uncertain Significance.

GeneDx
Classification: Uncertain significance. Last evaluated: 2025-06-04. Review status: criteria provided, single submitter. Criteria: GeneDx Variant Classification Process June 2021. Collection method: clinical testing. Allele origin: germline. Affected: yes.
Comment: Observed in individuals with melanoma, prostate, colorectal, breast, and renal cancer (PMID: 29684080, 34262154, 35264596, 36898365, 31206626); In silico analysis suggests that this missense variant does not alter protein structure/function; This variant is associated with the following publications: (PMID: 23555315, 29684080, 31871109, 34262154, 35264596, 36898365, 39324485, 31206626)

Quest Diagnostics Nichols Institute San Juan Capistrano
Classification: Likely benign. Last evaluated: 2025-05-01. Review status: criteria provided, single submitter. Criteria: Quest Diagnostics criteria. Collection method: clinical testing. Allele origin: unknown.

Women's Health and Genetics/Laboratory Corporation of America, LabCorp
Classification: Uncertain significance. Last evaluated: 2025-03-24. Review status: criteria provided, single submitter. Criteria: LabCorp Variant Classification Summary - May 2015. Collection method: clinical testing. Allele origin: germline.
Comment: Variant summary: ATM c.4082A>G (p.Gln1361Arg) results in a conservative amino acid change in the encoded protein sequence. Five of five in-silico tools predict a benign effect of the variant on protein function. The variant allele was found at a frequency of 4.8e-05 in 248700 control chromosomes, predominantly at a frequency of 0.00062 within the African or African-American subpopulation in the gnomAD database. This frequency is not significantly higher than estimated for a pathogenic variant in ATM causing Breast Cancer (4.8e-05 vs 0.001), allowing no conclusion about variant significance. In addition, this variant has also been reported in 4/7325 European American and 5/2559 African American (i.e. with an allele frequency of 0.000977) women who were older than age 70 and cancer free (in the FLOSSIES database). The variant, c.4082A>G, has also been reported in the literature in cohorts of individuals affected with various tumor phenotypes, but without providing information on the associated phenotypes (examples: Haiman_2013, Yehia_2018, Adedokun_2020 and Dalmasso_2021). These report(s) do not provide unequivocal conclusions about association of the variant with Breast Cancer. To our knowledge, no experimental evidence demonstrating an impact on protein function has been reported. The following publications have been ascertained in the context of this evaluation (PMID: 23555315, 29684080, 31871109, 34262154). ClinVar contains an entry for this variant (Variation ID: 185234). Based on the evidence outlined above, the variant was classified as uncertain significance.

Myriad Genetics, Inc.
Classification: Likely benign for Familial cancer of breast. Last evaluated: 2024-05-16. Review status: criteria provided, single submitter. Criteria: Myriad Autosomal Dominant, Autosomal Recessive and X-Linked Classification Criteria (2023). Collection method: clinical testing. Allele origin: unknown.
Comment: This variant is considered likely benign. This variant is strongly associated with less severe personal and family histories of cancer, typical for individuals without pathogenic variants in this gene [PMID: 25085752].

Color Diagnostics, LLC DBA Color Health
Classification: Uncertain significance for Hereditary cancer-predisposing syndrome. Last evaluated: 2024-02-05. Review status: criteria provided, single submitter. Criteria: ACMG Guidelines, 2015. Collection method: clinical testing. Allele origin: germline.
Comment: This missense variant replaces glutamine with arginine at codon 1361 of the ATM protein. Computational prediction suggests that this variant may not impact protein structure and function. To our knowledge, functional studies have not been reported for this variant. This variant has been reported in an individual affected with melanoma (PMID: 34262154) and five carriers in a breast cancer case-control study, however the cancer status of the carriers were not specified (PMID: 31871109). This variant also has been reported in 9 individuals age 70 years or older without cancer (FLOSSIES). This variant has been identified in 17/280106 chromosomes in the general population by the Genome Aggregation Database (gnomAD). The available evidence is insufficient to determine the role of this variant in disease conclusively. Therefore, this variant is classified as a Variant of Uncertain Significance.

KCCC/NGS Laboratory, Kuwait Cancer Control Center
Classification: Uncertain significance for Familial cancer of breast. Last evaluated: 2023-06-06. Review status: criteria provided, single submitter. Criteria: ACMG Guidelines, 2015. Collection method: clinical testing. Allele origin: germline. Affected: yes.
Comment: A variant of uncertain significance was detected in the ATM gene. This sequence change replaces glutamine with arginine at codon 1361 of the ATM protein (p.Gln1361Arg). This variant is present in population databases (rs141921797, ExAC 0.07%). This variant has been observed in individual(s) with breast cancer (PMID: 23555315). ClinVar contains an entry for this variant (Variation ID: 185234). In-silico predictions show benign computational verdict based on 9 benign predictions from PolyPhen, BayesDel_addAF, DEOGEN2, EIGEN, LIST-S2, MVP, MutationTaster, PrimateAI and SIFT vs 4 pathogenic predictions from DANN, FATHMM-MKL, M-CAP and MutationAssessor and the position is not highly conserved. Therefore, it has been classified as a Variant of Uncertain Significance. Heterozygous pathogenic/likely pathogenic mutations in ATM gene cause breast cancer susceptibility (OMIM#114480).

Ambry Genetics
Classification: Likely benign for Hereditary cancer-predisposing syndrome. Last evaluated: 2022-11-22. Review status: criteria provided, single submitter. Criteria: Ambry Variant Classification Scheme 2023. Collection method: clinical testing. Allele origin: germline.

St. Jude Molecular Pathology, St. Jude Children's Research Hospital
Classification: Uncertain significance for Familial cancer of breast. Last evaluated: 2022-10-13. Review status: criteria provided, single submitter. Criteria: St. Jude Assertion Criteria 2020. Collection method: clinical testing. Allele origin: germline.
Comment: The ATM c.4082A>G (p.Gln1361Arg) missense change has a maximum subpopulation frequency of 0.060% in gnomAD v2.1.1. The in silico tool REVEL predicts a benign effect on protein function, but to our knowledge this prediction has not been confirmed by functional studies. This variant was reported in five individuals in a study of breast cancer, however it was not specified if the variant was found in cases or controls (PMID: 31871109). This variant is present in nine individuals in a database of women older than 70 years of age who have never had cancer (FLOSSIES database). To our knowledge, this variant has not been reported in individuals with ataxia telangiectasia. In summary, the evidence currently available is insufficient to determine the clinical significance of this variant. It has therefore been classified as of uncertain significance.

Department of Pathology and Laboratory Medicine, Sinai Health System
Classification: Uncertain significance for Familial colorectal cancer type X. Last evaluated: 2022-06-22. Review status: criteria provided, single submitter. Criteria: ACMG Guidelines, 2015. Collection method: clinical testing. Allele origin: germline. Affected: yes.

Athena Diagnostics
Classification: Uncertain significance. Last evaluated: 2019-12-30. Review status: criteria provided, single submitter. Criteria: Athena Diagnostics Criteria. Collection method: clinical testing. Allele origin: unknown.

Genetic Services Laboratory, University of Chicago
Classification: Uncertain significance. Last evaluated: 2019-10-28. Review status: criteria provided, single submitter. Criteria: ACMG Guidelines, 2015. Collection method: clinical testing. Allele origin: germline. Affected: no.

Mendelics
Classification: Uncertain significance for Ataxia-telangiectasia syndrome. Last evaluated: 2018-07-02. Review status: criteria provided, single submitter. Criteria: Mendelics Assertion Criteria 2017. Collection method: clinical testing. Allele origin: unknown.

Natera, Inc.
Classification: Uncertain significance for Ataxia-telangiectasia. Last evaluated: 2020-09-16. Review status: no assertion criteria provided. Collection method: clinical testing. Allele origin: germline. Not counted in ClinVar's aggregate classification.

Literature cited by the submitters: PubMed 29684080 (cited by 4 submitters); PubMed 31206626 (cited by Labcorp Genetics (formerly Invitae), Labcorp); PubMed 34262154 (cited by 4 submitters); PubMed 36898365 (cited by Labcorp Genetics (formerly Invitae), Labcorp); PubMed 23555315 (cited by Women's Health and Genetics/Laboratory Corporation of America, LabCorp and Athena Diagnostics); PubMed 31871109 (cited by 5 submitters); PubMed 25085752 (cited by Myriad Genetics, Inc.).